The following is an entry in ClinVar:

ClinVar aggregate classification (germline): Uncertain significance. Review status: criteria provided, multiple submitters, no conflicts (2 of 4 stars). 4 submissions from 4 submitters: Uncertain significance (3). 1 of the submissions does not count toward it. Last evaluated 2026-01-16.

Conditions:
DiGeorge syndrome. Also called: THIRD AND FOURTH PHARYNGEAL POUCH SYNDROME; Catch22. Identifiers: Orphanet 567, MedGen C0012236, MONDO:0008564, OMIM 188400.
TBX1-related disorder. Also called: TBX1-Related Disorders; TBX1-related condition.
Cardiovascular phenotype. Identifiers: MedGen CN230736.

Allele frequency attached by ClinVar (database versions not stated): gnomAD 0.00009; TOPMed 0.00009; gnomAD exomes 0.00011 and 0.00030; ExAC 0.00012; 1000 Genomes Project 30x 0.00016; 1000 Genomes Project 0.00020.
gnomAD v4.1: 451 of 1,611,150 alleles (0.028%); highest among the groups gnomAD compares: Non-Finnish European, 0.036%; no homozygotes.

Submissions (4):

Women's Health and Genetics/Laboratory Corporation of America, LabCorp
Classification: Uncertain significance. Last evaluated: 2026-01-16. Review status: criteria provided, single submitter. Criteria: LabCorp Variant Classification Summary - May 2015. Collection method: clinical testing. Allele origin: germline.
Comment: Variant summary: TBX1 c.684C>T (p.His228His) alters a conserved nucleotide located close to a canonical splice site and therefore could affect mRNA splicing, leading to a significantly altered protein sequence. Consensus agreement among computation tools predict no significant impact on normal splicing. However, these predictions have yet to be confirmed by functional studies. The variant allele was found at a frequency of 0.00011 in 247298 control chromosomes. This frequency is not significantly higher than estimated for disease-causing variants in TBX1, allowing no conclusion about variant significance. c.684C>T has been observed in individual(s) affected with TBX1-Related Disorders without clear evidence for causality (Maron_2023). These report(s) do not provide unequivocal conclusions about association of the variant with TBX1-Related Disorders. To our knowledge, no experimental evidence demonstrating an impact on protein function has been reported. The following publication have been ascertained in the context of this evaluation (PMID: 37432431). ClinVar contains an entry for this variant (Variation ID: 518811). Based on the evidence outlined above, the variant was classified as uncertain significance.

Labcorp Genetics (formerly Invitae), Labcorp
Classification: Uncertain significance for DiGeorge syndrome. Last evaluated: 2025-12-01. Review status: criteria provided, single submitter. Criteria: Invitae Variant Classification Sherloc (09022015). Collection method: clinical testing. Allele origin: germline.
Comment: This sequence change affects codon 228 of the TBX1 mRNA. It is a 'silent' change, meaning that it does not change the encoded amino acid sequence of the TBX1 protein. It affects a nucleotide within the consensus splice site. This variant is present in population databases (rs200021644, gnomAD 0.02%). This variant has been observed in individual(s) with TBX1-related conditions (PMID: 37432431). ClinVar contains an entry for this variant (Variation ID: 518811). Variants that disrupt the consensus splice site are a relatively common cause of aberrant splicing (PMID: 17576681, 9536098). Algorithms developed to predict the effect of sequence changes on RNA splicing suggest that this variant is not likely to affect RNA splicing. In summary, the available evidence is currently insufficient to determine the role of this variant in disease. Therefore, it has been classified as a Variant of Uncertain Significance.

Ambry Genetics
Classification: Uncertain significance for Cardiovascular phenotype. Last evaluated: 2016-09-01. Review status: criteria provided, single submitter. Criteria: Ambry Variant Classification Scheme 2023. Collection method: clinical testing. Allele origin: germline.
Comment: The c.684C>T variant (also known as p.H228H), located in coding exon 4 of the TBX1 gene, results from a C to T substitution at nucleotide position 684. This nucleotide substitution does not change the histidine at codon 228. However, this change occurs in the last base pair of coding exon 4, which makes it likely to have some effect on normal mRNA splicing. This variant was previously reported in the SNPDatabase as rs200021644. Based on data from ExAC, the T allele has an overall frequency of approximately 0.012% (13/105512). This nucleotide position is poorly conserved in available vertebrate species, and T is the reference nucleotide in numerous species. Using two different splice site prediction tools, this alteration is predicted to weaken the efficiency of the native splice donor site by BDGP and strengthen the efficiency of the native splice donor site by ESEfinder; however, direct evidence is unavailable. Since supporting evidence is limited at this time, the clinical significance of this alteration remains unclear.

PreventionGenetics, part of Exact Sciences
Classification: Likely benign for TBX1-related condition. Last evaluated: 2020-08-10. Review status: no assertion criteria provided. Collection method: clinical testing. Allele origin: germline. Not counted in ClinVar's aggregate classification.
Comment: This variant is classified as likely benign based on ACMG/AMP sequence variant interpretation guidelines (Richards et al. 2015 PMID: 25741868, with internal and published modifications).

Literature cited by the submitters: PubMed 37432431 (cited by Women's Health and Genetics/Laboratory Corporation of America, LabCorp and Labcorp Genetics (formerly Invitae), Labcorp); PubMed 17576681 (cited by Labcorp Genetics (formerly Invitae), Labcorp); PubMed 9536098 (cited by Labcorp Genetics (formerly Invitae), Labcorp).

NM_001379200.1(TBX1):c.711C>T (p.His237=)

Gene: TBX1 (T-box transcription factor 1; plus strand). Cytogenetic location: 22q11.21.
Variant type: single nucleotide variant.
Coding change: c.711C>T on transcript NM_001379200.1 (MANE Select); coding-DNA position 711, C replaced by T.
Protein change: p.His237=; no amino-acid change (histidine 237 retained).
Molecular consequence: synonymous variant.
Genome position (GRCh38, 1-based): chr22:19,764,326, C>T. VCF-style: chr22-19764326-C-T. GRCh37 (hg19) VCF-style: chr22-19751849-C-T.
Other names: c.684C>T, p.His228= (NM_005992.1, NM_080646.2, NM_080647.1).
Identifiers: ClinVar variation 518811 (VCV000518811.16), dbSNP rs200021644, ClinGen allele CA10102527.